The following is an entry in ClinVar:

NM_001190274.2(FBXO11):c.1370_1372del (p.Val457del)

Gene: FBXO11 (F-box protein 11; minus strand). Cytogenetic location: 2p16.3.
Variant type: Deletion.
Coding change: c.1370_1372del on transcript NM_001190274.2 (MANE Select); coding-DNA positions 1370 to 1372, 3 bases deleted (TTG; older notation c.1370_1372delTTG).
Protein change: p.Val457del; deletes valine 457.
Genome position (GRCh38, 1-based): chr2:47,832,375-47,832,377, CAA deleted on the plus strand (TTG on the coding strand, the reverse complement: FBXO11 is on the minus strand); deleting any 3 consecutive bases within chr2:47,832,375-47,832,379 gives the same sequence; the c. name uses the placement nearest the transcript's 3' end. VCF-style (leftmost placement, unchanged base first): chr2-47832374-CCAA-C. GRCh37 (hg19) VCF-style: chr2-48059513-CCAA-C.
Other names: c.1118_1120del, p.Val373del (NM_001374325.1, NM_025133.4); short protein forms V373del, V457del.
Identifiers: ClinVar variation 3513902 (VCV003513902.1).

ClinVar aggregate classification (germline): Uncertain significance (1 of 4 stars; one submission).

Conditions:
Inborn genetic diseases. Identifiers: MedGen C0950123, MeSH D030342.

Submission:

Ambry Genetics
Classification: Uncertain significance for Inborn genetic diseases. Last evaluated: 2024-09-26. Review status: criteria provided, single submitter. Criteria: Ambry Variant Classification Scheme 2023. Collection method: clinical testing. Allele origin: germline.
Comment: The c.1370_1372delTTG (p.V457del) alteration, located in coding exon 11 of the FBXO11 gene, results from an in-frame 3 nucleotide deletion at nucleotide positions c.1370 to c.1372. This results in the deletion of a valine residue at codon 457. This variant was not reported in population-based cohorts in the Genome Aggregation Database (gnomAD). This amino acid position is highly conserved in available vertebrate species. This alteration is predicted to be deleterious by in silico analysis (Choi, 2012). Based on insufficient or conflicting evidence, the clinical significance of this alteration remains unclear.